The following is an entry in ClinVar:

ClinVar aggregate classification (germline): Uncertain significance (1 of 4 stars; one submission).

Conditions:
Inborn genetic diseases. Identifiers: MedGen C0950123, MeSH D030342.

gnomAD v4.1: 4 of 1,563,348 alleles (0.00026%); highest among the groups gnomAD compares: Non-Finnish European, 0.00034%; no homozygotes.

Submission:

Ambry Genetics
Classification: Uncertain significance for Inborn genetic diseases. Last evaluated: 2026-01-25. Review status: criteria provided, single submitter. Criteria: Ambry Variant Classification Scheme 2023. Collection method: clinical testing. Allele origin: germline.
Comment: The p.S782R variant (also known as c.2346T>A), located in coding exon 16 of the LTBP3 gene, results from a T to A substitution at nucleotide position 2346. The serine at codon 782 is replaced by arginine, an amino acid with dissimilar properties. This amino acid position is conserved. In addition, the in silico prediction for this alteration is inconclusive. Based on the available evidence, the clinical significance of this variant remains unclear.

NM_001130144.3(LTBP3):c.2346T>A (p.Ser782Arg)

Genes: LTBP3 (latent transforming growth factor beta binding protein 3; minus strand), LOC130006029 (ATAC-STARR-seq lymphoblastoid silent region 3532; plus strand). Cytogenetic location: 11q13.1.
Variant type: single nucleotide variant.
Coding change: c.2346T>A on transcript NM_001130144.3 (MANE Select); coding-DNA position 2346, T replaced by A.
Protein change: p.Ser782Arg; replaces serine 782 with arginine.
Molecular consequence: missense variant.
Genome position (GRCh38, 1-based): chr11:65,546,449, A>T on the plus strand (T>A on the coding strand, the complement: LTBP3 is on the minus strand). VCF-style: chr11-65546449-A-T. GRCh37 (hg19) VCF-style: chr11-65313920-A-T.
Other names: c.1995T>A, p.Ser665Arg (NM_001164266.1); c.2346T>A, p.Ser782Arg (NM_021070.4); short protein forms S782R, S665R.
Identifiers: ClinVar variation 4844131 (VCV004844131.1).